The following is an entry in ClinVar:

ClinVar aggregate classification (germline): Uncertain significance (1 of 4 stars; one submission).

Conditions:
Cardiovascular phenotype. Identifiers: MedGen CN230736.

Submission:

Ambry Genetics
Classification: Uncertain significance for Cardiovascular phenotype. Last evaluated: 2024-02-05. Review status: criteria provided, single submitter. Criteria: Ambry Variant Classification Scheme 2023. Collection method: clinical testing. Allele origin: germline.
Comment: The p.I129F variant (also known as c.385A>T), located in coding exon 3 of the SCN2B gene, results from an A to T substitution at nucleotide position 385. The isoleucine at codon 129 is replaced by phenylalanine, an amino acid with highly similar properties. This amino acid position is conserved. In addition, the in silico prediction for this alteration is inconclusive. Based on the available evidence, the clinical significance of this alteration remains unclear.

NM_004588.5(SCN2B):c.385A>T (p.Ile129Phe)

Gene: SCN2B (sodium voltage-gated channel beta subunit 2; minus strand). Cytogenetic location: 11q23.3.
Variant type: single nucleotide variant.
Coding change: c.385A>T on transcript NM_004588.5 (MANE Select); coding-DNA position 385, A replaced by T.
Protein change: p.Ile129Phe; replaces isoleucine 129 with phenylalanine.
Molecular consequence: missense variant.
Genome position (GRCh38, 1-based): chr11:118,168,148, T>A on the plus strand (A>T on the coding strand, the complement: SCN2B is on the minus strand). VCF-style: chr11-118168148-T-A. GRCh37 (hg19) VCF-style: chr11-118038863-T-A.
Other names: short protein forms I129F.
Identifiers: ClinVar variation 3224333 (VCV003224333.1), dbSNP rs1948400468, ClinGen allele CA382784697.